The following is an entry in ClinVar:

ClinVar aggregate classification (germline): Uncertain significance (1 of 4 stars; one submission).

Allele frequency attached by ClinVar (database versions not stated): gnomAD exomes below 0.00001; gnomAD 0.00001; TOPMed 0.00001.
gnomAD v4.1: 2 of 1,613,838 alleles (0.00012%); highest among the groups gnomAD compares: African/African-American, 0.0013%; no homozygotes.

Submission:

Labcorp Genetics (formerly Invitae), Labcorp
Classification: Uncertain significance. Last evaluated: 2021-09-01. Review status: criteria provided, single submitter. Criteria: Invitae Variant Classification Sherloc (09022015). Collection method: clinical testing. Allele origin: germline.
Comment: This sequence change replaces lysine with arginine at codon 107 of the ASNS protein (p.Lys107Arg). The lysine residue is moderately conserved and there is a small physicochemical difference between lysine and arginine. This variant is not present in population databases (ExAC no frequency). This variant has not been reported in the literature in individuals affected with ASNS-related conditions. Advanced modeling of protein sequence and biophysical properties (such as structural, functional, and spatial information, amino acid conservation, physicochemical variation, residue mobility, and thermodynamic stability) performed at Invitae indicates that this missense variant is not expected to disrupt ASNS protein function. Algorithms developed to predict the effect of sequence changes on RNA splicing suggest that this variant may create or strengthen a splice site. In summary, the available evidence is currently insufficient to determine the role of this variant in disease. Therefore, it has been classified as a Variant of Uncertain Significance.

NM_001673.5(ASNS):c.320A>G (p.Lys107Arg)

Genes: ASNS (asparagine synthetase (glutamine-hydrolyzing); minus strand), CZ1P-ASNS (CZ1P-ASNS readthrough; minus strand). Cytogenetic location: 7q21.3.
Variant type: single nucleotide variant.
Coding change: c.320A>G on transcript NM_001673.5 (MANE Select); coding-DNA position 320, A replaced by G.
Protein change: p.Lys107Arg; replaces lysine 107 with arginine.
Molecular consequence: missense variant. On other transcripts: non-coding transcript variant (1).
Genome position (GRCh38, 1-based): chr7:97,864,426, T>C on the plus strand (A>G on the coding strand, the complement: ASNS is on the minus strand). VCF-style: chr7-97864426-T-C. GRCh37 (hg19) VCF-style: chr7-97493738-T-C.
Other names: c.257A>G, p.Lys86Arg (NM_001178075.2); c.71A>G, p.Lys24Arg (NM_001178076.2, NM_001178077.1); c.320A>G, p.Lys107Arg (NM_001352496.2, NM_133436.3, NM_183356.4); short protein forms K24R, K107R, K86R.
Identifiers: ClinVar variation 1356484 (VCV001356484.5), dbSNP rs986092132, ClinGen allele CA163034280.